The following is an entry in ClinVar:

NM_001282933.2(ZNF341):c.2257C>T (p.Pro753Ser)

Genes: ZNF341 (zinc finger protein 341; plus strand), ZNF341-AS1 (ZNF341 antisense RNA 1; minus strand). Cytogenetic location: 20q11.22.
Variant type: single nucleotide variant.
Coding change: c.2257C>T on transcript NM_001282933.2 (MANE Select); coding-DNA position 2257, C replaced by T.
Protein change: p.Pro753Ser; replaces proline 753 with serine.
Molecular consequence: missense variant. On other transcripts: non-coding transcript variant (1).
Genome position (GRCh38, 1-based): chr20:33,791,209, C>T. VCF-style: chr20-33791209-C-T. GRCh37 (hg19) VCF-style: chr20-32379015-C-T.
Other names: c.1987C>T, p.Pro663Ser (NM_001282935.2); c.2236C>T, p.Pro746Ser (NM_032819.5); short protein forms P746S, P753S, P663S.
Identifiers: ClinVar variation 3679949 (VCV003679949.2).

ClinVar aggregate classification (germline): Uncertain significance (1 of 4 stars; one submission).

Submission:

Labcorp Genetics (formerly Invitae), Labcorp
Classification: Uncertain significance. Last evaluated: 2024-10-27. Review status: criteria provided, single submitter. Criteria: Invitae Variant Classification Sherloc (09022015). Collection method: clinical testing. Allele origin: germline.
Comment: This sequence change replaces proline, which is neutral and non-polar, with serine, which is neutral and polar, at codon 746 of the ZNF341 protein (p.Pro746Ser). This variant is not present in population databases (gnomAD no frequency). This variant has not been reported in the literature in individuals affected with ZNF341-related conditions. An algorithm developed to predict the effect of missense changes on protein structure and function (PolyPhen-2) suggests that this variant is likely to be tolerated. In summary, the available evidence is currently insufficient to determine the role of this variant in disease. Therefore, it has been classified as a Variant of Uncertain Significance.